The following is an entry in ClinVar:

ClinVar aggregate classification (germline): Uncertain significance (1 of 4 stars; one submission).

gnomAD v4.1: 6 of 1,613,970 alleles (0.00037%); highest among the groups gnomAD compares: Admixed American, 0.0017%; no homozygotes.

Submission:

Labcorp Genetics (formerly Invitae), Labcorp
Classification: Uncertain significance. Last evaluated: 2025-03-29. Review status: criteria provided, single submitter. Criteria: Invitae Variant Classification Sherloc (09022015). Collection method: clinical testing. Allele origin: germline.
Comment: This sequence change replaces tyrosine, which is neutral and polar, with cysteine, which is neutral and slightly polar, at codon 944 of the NR3C2 protein (p.Tyr944Cys). This variant is present in population databases (rs776959133, gnomAD 0.003%). This variant has not been reported in the literature in individuals affected with NR3C2-related conditions. Invitae Evidence Modeling of protein sequence and biophysical properties (such as structural, functional, and spatial information, amino acid conservation, physicochemical variation, residue mobility, and thermodynamic stability) indicates that this missense variant is not expected to disrupt NR3C2 protein function with a negative predictive value of 80%. In summary, the available evidence is currently insufficient to determine the role of this variant in disease. Therefore, it has been classified as a Variant of Uncertain Significance.

NM_000901.5(NR3C2):c.2831A>G (p.Tyr944Cys)

Gene: NR3C2 (nuclear receptor subfamily 3 group C member 2; minus strand). Cytogenetic location: 4q31.23.
Variant type: single nucleotide variant.
Coding change: c.2831A>G on transcript NM_000901.5 (MANE Select); coding-DNA position 2831, A replaced by G.
Protein change: p.Tyr944Cys; replaces tyrosine 944 with cysteine.
Molecular consequence: missense variant. On other transcripts: non-coding transcript variant (1).
Genome position (GRCh38, 1-based): chr4:148,081,468, T>C on the plus strand (A>G on the coding strand, the complement: NR3C2 is on the minus strand). VCF-style: chr4-148081468-T-C. GRCh37 (hg19) VCF-style: chr4-149002619-T-C.
Other names: c.2480A>G, p.Tyr827Cys (NM_001166104.2, NM_001354819.1); c.2831A>G, p.Tyr944Cys (NM_001437654.1, NM_001437655.1, NM_001437656.1); c.2843A>G, p.Tyr948Cys (NM_001437657.1); short protein forms Y827C, Y944C, Y948C.
Identifiers: ClinVar variation 4807957 (VCV004807957.1).